The following is an entry in ClinVar:

NM_003074.4(SMARCC1):c.340G>C (p.Ala114Pro)

Gene: SMARCC1 (SWI/SNF related BAF chromatin remodeling complex subunit C1; minus strand). Cytogenetic location: 3p21.31.
Variant type: single nucleotide variant.
Coding change: c.340G>C on transcript NM_003074.4 (MANE Select); coding-DNA position 340, G replaced by C.
Protein change: p.Ala114Pro; replaces alanine 114 with proline.
Molecular consequence: missense variant.
Genome position (GRCh38, 1-based): chr3:47,745,969, C>G on the plus strand (G>C on the coding strand, the complement: SMARCC1 is on the minus strand). VCF-style: chr3-47745969-C-G. GRCh37 (hg19) VCF-style: chr3-47787459-C-G.
Other names: short protein forms A114P.
Identifiers: ClinVar variation 4992216 (VCV004992216.1).
Genomic context (GRCh38, chr3:47,745,969, plus strand): 5'-ATCCCTGTTCATTTTTATACTTGTAAGCAGCCCCAAGAATGTGACATAAGGCGCCTCCAG[C>G]TTTGAAATCCATGAAACACTTTGCCTAAAAATGATACAAATTACACATGAGAAAAATAAA-3'
Protein context (NP_003065.3, residues 104-124): LPAKCFMDFK[Ala114Pro]GGALCHILGA

ClinVar aggregate classification (germline): Uncertain significance (1 of 4 stars; one submission).

Conditions:
SMARCC1-related disorder. Also called: SMARCC1-related condition.

gnomAD v4.1: 1 of 1,583,848 alleles (0.000063%); highest among the groups gnomAD compares: Non-Finnish European, 0.000085%; no homozygotes.

Submission:

PreventionGenetics, part of Exact Sciences
Classification: Uncertain significance for SMARCC1-related condition. Last evaluated: 2026-04-10. Review status: criteria provided, single submitter. Criteria: ACMG Guidelines, 2015. Collection method: clinical testing. Allele origin: germline.
Comment: The SMARCC1 c.340G>C variant is predicted to result in the amino acid substitution p.Ala114Pro. To our knowledge, this variant has not been reported in the literature or in a large population database (gnomAD), indicating this variant is rare. At this time, the clinical significance of this variant is uncertain due to the absence of conclusive functional and genetic evidence.